The following is an entry in ClinVar:

ClinVar aggregate classification (germline): Uncertain significance (1 of 4 stars; one submission).

Conditions:
Primary ciliary dyskinesia. Also called: Ciliary dyskinesia. Identifiers: Orphanet 244, MedGen C0008780, MONDO:0016575, HP:0012265.

gnomAD v4.1: 1 of 1,614,128 alleles (0.000062%); highest among the groups gnomAD compares: Admixed American, 0.0017%; no homozygotes.

Submission:

Ambry Genetics
Classification: Uncertain significance for Primary ciliary dyskinesia. Last evaluated: 2022-05-30. Review status: criteria provided, single submitter. Criteria: Ambry Variant Classification Scheme 2023. Collection method: clinical testing. Allele origin: germline.
Comment: The p.A1977P variant (also known as c.5929G>C), located in coding exon 36 of the DNAH5 gene, results from a G to C substitution at nucleotide position 5929. The alanine at codon 1977 is replaced by proline, an amino acid with highly similar properties. This amino acid position is conserved. In addition, the in silico prediction for this alteration is inconclusive. Since supporting evidence is limited at this time, the clinical significance of this alteration remains unclear.

NM_001369.3(DNAH5):c.5929G>C (p.Ala1977Pro)

Gene: DNAH5 (dynein axonemal heavy chain 5; minus strand). Cytogenetic location: 5p15.2.
Variant type: single nucleotide variant.
Coding change: c.5929G>C on transcript NM_001369.3 (MANE Select); coding-DNA position 5929, G replaced by C.
Protein change: p.Ala1977Pro; replaces alanine 1977 with proline.
Molecular consequence: missense variant.
Genome position (GRCh38, 1-based): chr5:13,830,729, C>G on the plus strand (G>C on the coding strand, the complement: DNAH5 is on the minus strand). VCF-style: chr5-13830729-C-G. GRCh37 (hg19) VCF-style: chr5-13830838-C-G.
Other names: short protein forms A1977P.
Identifiers: ClinVar variation 1750538 (VCV001750538.2), dbSNP rs143894811, ClinGen allele CA359202913.
Genomic context (GRCh38, chr5:13,830,729, plus strand): 5'-GGCATCGTCCCATGTCTTTAGTGGTTTCTGTTTTGCCTGTGCCTGCAGGTCCAGCAGGGG[C>G]TCCCCCCATGCTCATTCCCAGAGCTTGAGCCAGCGTGATGTAACATCTGCATGGGTAGAA-3'
Protein context (NP_001360.1, residues 1967-1987): AQALGMSMGG[Ala1977Pro]PAGPAGTGKT